The following is an entry in ClinVar:

ClinVar aggregate classification (germline): Uncertain significance. Review status: criteria provided, multiple submitters, no conflicts (2 of 4 stars). 2 submissions from 2 submitters: Uncertain significance (2). Last evaluated 2026-04-08.

Conditions:
Hyperphosphatasia with intellectual disability syndrome 5 (GPIBD11). Also called: GLYCOSYLPHOSPHATIDYLINOSITOL BIOSYNTHESIS DEFECT 11. Identifiers: Orphanet 247262, MedGen C4014958, MONDO:0014457, OMIM 616025.
Fetal anomalies with a likely genetic cause.

Allele frequency attached by ClinVar (database versions not stated): gnomAD 0.00003; ExAC 0.00005; TOPMed 0.00006; ESP Exome Variant Server 0.00008; gnomAD exomes 0.00009.
gnomAD v4.1: 139 of 1,613,964 alleles (0.0086%); highest among the groups gnomAD compares: Non-Finnish European, 0.011%; no homozygotes.

Submissions (2):

Genetics Laboratory, Great Ormond Street Hospital NHS Foundation Trust, North Thames Genomic Laboratory Hub
Classification: Uncertain significance for Fetal anomalies with a likely genetic cause. Last evaluated: 2026-04-08. Review status: criteria provided, single submitter. Criteria: ACGS Best Practice Guidelines for Variant Classification in Rare Disease 2024 v1.2. Collection method: clinical testing. Allele origin: germline. Affected: yes.
Comment: PM2_moderate, PVS1_moderate

Labcorp Genetics (formerly Invitae), Labcorp
Classification: Uncertain significance for Hyperphosphatasia with intellectual disability syndrome 5. Last evaluated: 2025-08-11. Review status: criteria provided, single submitter. Criteria: Invitae Variant Classification Sherloc (09022015). Collection method: clinical testing. Allele origin: germline.
Comment: This sequence change creates a premature translational stop signal (p.Ser455*) in the PIGW gene. While this is not anticipated to result in nonsense mediated decay, it is expected to disrupt the last 50 amino acid(s) of the PIGW protein. This variant is present in population databases (rs368224149, gnomAD 0.008%). This variant has not been reported in the literature in individuals affected with PIGW-related conditions. ClinVar contains an entry for this variant (Variation ID: 1956943). In summary, the available evidence is currently insufficient to determine the role of this variant in disease. Therefore, it has been classified as a Variant of Uncertain Significance.

NM_001346754.2(PIGW):c.1364C>G (p.Ser455Ter)

Genes: MYO19 (myosin XIX; minus strand), PIGW (phosphatidylinositol glycan anchor biosynthesis class W; plus strand). Cytogenetic location: 17q12.
Variant type: single nucleotide variant.
Coding change: c.1364C>G on transcript NM_001346754.2 (MANE Select); coding-DNA position 1364, C replaced by G.
Protein change: p.Ser455Ter; replaces serine 455 with a stop codon.
Molecular consequence: nonsense.
Genome position (GRCh38, 1-based): chr17:36,538,465, C>G. VCF-style: chr17-36538465-C-G. GRCh37 (hg19) VCF-style: chr17-34894314-C-G.
Other names: c.1364C>G, p.Ser455Ter (NM_001346755.2, NM_178517.5); short protein forms S455*.
Identifiers: ClinVar variation 1956943 (VCV001956943.4), dbSNP rs368224149, ClinGen allele CA290116793.